The following is an entry in ClinVar:

NM_001370259.2(MEN1):c.644_652delinsGCCCCT (p.Val215_Arg218delinsGlyProTrp)

Gene: MEN1 (menin 1; minus strand). Cytogenetic location: 11q13.1.
Variant type: Indel.
Coding change: c.644_652delinsGCCCCT on transcript NM_001370259.2 (MANE Select); coding-DNA positions 644 to 652, TGGCTGAGC replaced by GCCCCT.
Protein change: p.Val215_Arg218delinsGlyProTrp.
Molecular consequence: inframe indel. On other transcripts: intron variant (2).
Genome position (GRCh38, 1-based): chr11:64,807,893-64,807,901, GCTCAGCCA replaced by AGGGGC on the plus strand (TGGCTGAGC replaced by GCCCCT on the coding strand, the reverse complement: MEN1 is on the minus strand). VCF-style: chr11-64807893-GCTCAGCCA-AGGGGC. GRCh37 (hg19) VCF-style: chr11-64575365-GCTCAGCCA-AGGGGC.
Other names: c.659_667delTGGCTGAGCinsGCCCCT (NM_000244.3); c.659_667delinsGCCCCT, p.Val220_Arg223delinsGlyProTrp (NM_000244.4, NM_130800.3, NM_130801.3 and 3 more transcripts); c.644_652delinsGCCCCT, p.Val215_Arg218delinsGlyProTrp (NM_001370251.2, NM_001370260.2, NM_001370261.2 and 1 more transcripts); c.549+95_549+103delinsGCCCCT (NM_001370263.2, NM_001370262.2).
Identifiers: ClinVar variation 36533 (VCV000036533.7), dbSNP rs386134257, ClinGen allele CA009539.

ClinVar aggregate classification (germline): Uncertain significance. Review status: criteria provided, multiple submitters, no conflicts (2 of 4 stars). 2 submissions from 2 submitters: Uncertain significance (2). Last evaluated 2018-03-28.

Conditions:
Multiple endocrine neoplasia, type 1 (MEN1). Also called: Endocrine adenomatosis multiple; MEN 1; MEA I; MEN I; WERMER SYNDROME. Identifiers: Orphanet 652, MedGen C0025267, MeSH D018761, MONDO:0007540, OMIM 131100.

Submissions (2):

Women's Health and Genetics/Laboratory Corporation of America, LabCorp
Classification: Uncertain significance. Last evaluated: 2018-03-28. Review status: criteria provided, single submitter. Criteria: LabCorp Variant Classification Summary - May 2015. Collection method: clinical testing. Allele origin: germline.
Comment: Variant summary: MEN1 c.644_652delinsGCCCCT (p.Val215_Arg218delinsGlyProTrp) results in an in-frame deletion and insertion that is predicted to remove 4 and insert 3 amino acids into the encoded protein. One in-silico tool predicts a damaging effect of the variant on protein function. The variant was absent in 245616 control chromosomes. The available data on variant occurrences in the general population are insufficient to allow any conclusion about variant significance. To our knowledge, no occurrence of c.644_652delinsGCCCCT in individuals affected with Multiple Endocrine Neoplasia Type 1 and no experimental evidence demonstrating its impact on protein function have been reported. No clinical diagnostic laboratories have submitted clinical-significance assessments for this variant to ClinVar after 2014. Based on the evidence outlined above, the variant was classified as uncertain significance.

Labcorp Genetics (formerly Invitae), Labcorp
Classification: Uncertain significance for Multiple endocrine neoplasia, type 1. Last evaluated: 2018-03-11. Review status: criteria provided, single submitter. Criteria: Invitae Variant Classification Sherloc (09022015). Collection method: clinical testing. Allele origin: germline.
Comment: This variant is not present in population databases (ExAC no frequency). In summary, the available evidence is currently insufficient to determine the role of this variant in disease. Therefore, it has been classified as a Variant of Uncertain Significance. Algorithms developed to predict the effect of sequence changes on RNA splicing suggest that this variant may disrupt the consensus splice site, but this prediction has not been confirmed by published transcriptional studies. This variant has not been reported in the literature in individuals with MEN1-related disease. ClinVar contains an entry for this variant (Variation ID: 36533). This variant, c.644_652delinsGCCCCT, is a complex sequence change that results in the replacement of 4 amino acids of the MEN1 protein (p.Val215_Arg218delinsGlyProTrp).